The following is an entry in ClinVar:

ClinVar aggregate classification (germline): Likely pathogenic (1 of 4 stars; one submission).

Submission:

GeneDx
Classification: Likely pathogenic. Last evaluated: 2017-08-03. Review status: criteria provided, single submitter. Criteria: GeneDx Variant Classification (06012015). Collection method: clinical testing. Allele origin: germline. Affected: yes.
Comment: The c.1207dupA variant in the MYCN gene has not been published as a pathogenic variant, nor has it been reported as a benign variant to our knowledge. The variant causes a frameshift starting with codon Threonine 403, changes this amino acid to a Asparagine residue and creates a premature Stop codon at position 13 of the new reading frame, denoted p.Thr403AsnfsX13. This variant is predicted to cause loss of normal protein function through protein truncation, as the final 62 amino acids are replaced by 12 incorrect amino acids. The variant is not observed in large population cohorts (Lek et al., 2016; 1000 Genomes Consortium et al., 2015; Exome Variant Server). In summary, we consider this variant to be likely pathogenic.

NM_005378.6(MYCN):c.1207dup (p.Thr403fs)

Gene: MYCN (MYCN proto-oncogene, bHLH transcription factor; plus strand). Cytogenetic location: 2p24.3.
Variant type: Duplication.
Coding change: c.1207dup on transcript NM_005378.6 (MANE Select); coding-DNA position 1207, one base duplicated (A; older notation c.1207dupA).
Protein change: p.Thr403fs; shifts the reading frame from threonine 403.
Molecular consequence: frameshift variant. On other transcripts: 3 prime UTR variant (1).
Genome position (GRCh38, 1-based): chr2:15,945,909, A duplicated. VCF-style (leftmost placement, unchanged base first): chr2-15945908-C-CA. GRCh37 (hg19) VCF-style: chr2-16086030-C-CA.
Other names: c.1207dup, p.Thr403fs (NM_001293228.2); c.574dup, p.Thr192fs (NM_001293231.2); c.*1142dup (NM_001293233.2); short protein forms T403fs, T192fs.
Identifiers: ClinVar variation 451243 (VCV000451243.2), dbSNP rs1553371008, ClinGen allele CA658657010.